The following is an entry in ClinVar:

ClinVar aggregate classification (germline): Uncertain significance. Review status: criteria provided, multiple submitters, no conflicts (2 of 4 stars). 2 submissions from 2 submitters: Uncertain significance (2). Last evaluated 2024-11-14.

Conditions:
X-linked reticulate pigmentary disorder. Also called: Pigmentary disorder, reticulate, with systemic manifestations, X-linked. Identifiers: Orphanet 85453, MedGen C1845050, MONDO:0010523, OMIM 301220.

Submissions (2):

3billion
Classification: Uncertain significance for X-linked reticulate pigmentary disorder. Last evaluated: 2024-11-14. Review status: criteria provided, single submitter. Criteria: ACMG Guidelines, 2015. Collection method: clinical testing. Allele origin: germline. Affected: yes.
Comment: The variant is not observed in the gnomAD v4.1.0 dataset. Predicted Consequence/Location: Missense variant. Missense changes are a common disease-causing mechanism. In silico tools predict the variant to alter splicing and produce an abnormal transcript [SpliceAI: 0.31 (>=0.2, moderate evidence for spliceogenicity)]. The variant has been reported as of uncertain significance (ClinVar ID: VCV001314854). Therefore, this variant is classified as VUS according to the recommendation of ACMG/AMP guideline.

GeneDx
Classification: Uncertain significance. Last evaluated: 2021-04-17. Review status: criteria provided, single submitter. Criteria: GeneDx Variant Classification Process June 2021. Collection method: clinical testing. Allele origin: germline. Affected: yes.
Comment: Not observed in large population cohorts (Lek et al., 2016); In silico analysis supports that this missense variant does not alter protein structure/function; Has not been previously published as pathogenic or benign to our knowledge; Variants in candidate genes are classified as variants of uncertain significance in accordance with ACMG guidelines (Richards et al., 2015)

NM_001330360.2(POLA1):c.2468G>A (p.Gly823Glu)

Gene: POLA1 (DNA polymerase alpha 1, catalytic subunit; plus strand). Cytogenetic location: Xp22.11.
Variant type: single nucleotide variant.
Coding change: c.2468G>A on transcript NM_001330360.2 (MANE Select); coding-DNA position 2468, G replaced by A.
Protein change: p.Gly823Glu; replaces glycine 823 with glutamic acid.
Molecular consequence: missense variant. On other transcripts: non-coding transcript variant (2).
Genome position (GRCh38, 1-based): chrX:24,743,231, G>A. VCF-style: chrX-24743231-G-A. GRCh37 (hg19) VCF-style: chrX-24761348-G-A.
Other names: c.2393G>A, p.Gly798Glu (NM_001378303.1); c.2450G>A, p.Gly817Glu (NM_016937.4); short protein forms G798E, G817E, G823E.
Identifiers: ClinVar variation 1314854 (VCV001314854.3), dbSNP rs1391404521, ClinGen allele CA412536958.